The following is an entry in ClinVar:

NM_014754.3(PTDSS1):c.332A>G (p.Tyr111Cys)

Gene: PTDSS1 (phosphatidylserine synthase 1; plus strand). Cytogenetic location: 8q22.1.
Variant type: single nucleotide variant.
Coding change: c.332A>G on transcript NM_014754.3 (MANE Select); coding-DNA position 332, A replaced by G.
Protein change: p.Tyr111Cys; replaces tyrosine 111 with cysteine.
Molecular consequence: missense variant. On other transcripts: intron variant (1).
Genome position (GRCh38, 1-based): chr8:96,287,037, A>G. VCF-style: chr8-96287037-A-G. GRCh37 (hg19) VCF-style: chr8-97299265-A-G.
Other names: c.4-8061A>G (NM_001290225.2); short protein forms Y111C.
Identifiers: ClinVar variation 4628589 (VCV004628589.1).

ClinVar aggregate classification (germline): Uncertain significance (1 of 4 stars; one submission).

Conditions:
Inborn genetic diseases. Identifiers: MedGen C0950123, MeSH D030342.

gnomAD v4.1: 3 of 1,613,928 alleles (0.00019%); highest among the groups gnomAD compares: African/African-American, 0.0013%; no homozygotes.

Submission:

Ambry Genetics
Classification: Uncertain significance for Inborn genetic diseases. Last evaluated: 2025-11-23. Review status: criteria provided, single submitter. Criteria: Ambry Variant Classification Scheme 2023. Collection method: clinical testing. Allele origin: germline.
Comment: The c.332A>G (p.Y111C) alteration is located in exon 4 (coding exon 4) of the PTDSS1 gene. This alteration results from a A to G substitution at nucleotide position 332, causing the tyrosine (Y) at amino acid position 111 to be replaced by a cysteine (C). Based on data from gnomAD, the G allele has an overall frequency of <0.001% (1/251334) total alleles studied. The highest observed frequency was 0.006% (1/16256) of African alleles. Based on insufficient or conflicting evidence, the clinical significance of this alteration remains unclear.